The following is an entry in ClinVar:

ClinVar aggregate classification (germline): Likely benign (0 of 4 stars; one submission).

Conditions:
USP15-related disorder. Also called: USP15-related condition.

Allele frequency attached by ClinVar (database versions not stated): TOPMed 0.00007; ESP Exome Variant Server 0.00008; gnomAD 0.00010; ExAC 0.00011.
gnomAD v4.1: 135 of 1,612,836 alleles (0.0084%); highest among the groups gnomAD compares: Non-Finnish European, 0.01%; no homozygotes.

Submission:

PreventionGenetics, part of Exact Sciences
Classification: Likely benign for USP15-related condition. Last evaluated: 2019-11-08. Review status: no assertion criteria provided. Collection method: clinical testing. Allele origin: germline.
Comment: This variant is classified as likely benign based on ACMG/AMP sequence variant interpretation guidelines (Richards et al. 2015 PMID: 25741868, with internal and published modifications).

NM_001252078.2(USP15):c.1602C>T (p.Phe534=)

Gene: USP15 (ubiquitin specific peptidase 15; plus strand). Cytogenetic location: 12q14.1.
Variant type: single nucleotide variant.
Coding change: c.1602C>T on transcript NM_001252078.2 (MANE Select); coding-DNA position 1602, C replaced by T.
Protein change: p.Phe534=; no amino-acid change (phenylalanine 534 retained).
Molecular consequence: synonymous variant. On other transcripts: non-coding transcript variant (5).
Genome position (GRCh38, 1-based): chr12:62,389,649, C>T. VCF-style: chr12-62389649-C-T. GRCh37 (hg19) VCF-style: chr12-62783429-C-T.
Other names: c.1239C>T, p.Phe413= (NM_001351159.2); c.855C>T, p.Phe285= (NM_001351160.2); c.603C>T, p.Phe201= (NM_001351163.2, NM_001351164.2, NM_001351165.2 and 1 more transcripts); c.1515C>T, p.Phe505= (NM_006313.3).
Identifiers: ClinVar variation 3045839 (VCV003045839.2), dbSNP rs370305930, ClinGen allele CA6662780.